The following is an entry in ClinVar:

ClinVar aggregate classification (germline): Pathogenic. Review status: criteria provided, single submitter (1 of 4 stars). 2 submissions from 2 submitters: Pathogenic (1). 1 of the submissions does not count toward it. Last evaluated 2025-12-22.

Conditions:
Hereditary spastic paraplegia 4. Also called: Spastic paraplegia 4, autosomal dominant; Familial spastic paraplegia autosomal dominant 2; Spastic Paraplegia 4. Identifiers: Orphanet 100985, MedGen C1866855, MONDO:0008438, OMIM 182601.
SPAST-related disorder. Also called: SPAST-related condition.

Submissions (2):

Labcorp Genetics (formerly Invitae), Labcorp
Classification: Pathogenic for Hereditary spastic paraplegia 4. Last evaluated: 2025-12-22. Review status: criteria provided, single submitter. Criteria: Invitae Variant Classification Sherloc (09022015). Collection method: clinical testing. Allele origin: germline.
Comment: This sequence change replaces glycine, which is neutral and non-polar, with glutamic acid, which is acidic and polar, at codon 385 of the SPAST protein (p.Gly385Glu). This variant is not present in population databases (gnomAD no frequency). This missense change has been observed in individual(s) with hereditary spastic paraplegia (PMID: 18701882, 36109173; internal data). In at least one individual the variant was observed to be de novo. ClinVar contains an entry for this variant (Variation ID: 3346317). Invitae Evidence Modeling of protein sequence and biophysical properties (such as structural, functional, and spatial information, amino acid conservation, physicochemical variation, residue mobility, and thermodynamic stability) indicates that this missense variant is expected to disrupt SPAST protein function with a positive predictive value of 80%. For these reasons, this variant has been classified as Pathogenic.

PreventionGenetics, part of Exact Sciences
Classification: Likely pathogenic for SPAST-related condition. Last evaluated: 2024-05-14. Review status: no assertion criteria provided. Collection method: clinical testing. Allele origin: germline. Not counted in ClinVar's aggregate classification.
Comment: The SPAST c.1154G>A variant is predicted to result in the amino acid substitution p.Gly385Glu. This variant has been reported in individuals with spastic paraplegia (Shoukier et al. 2009. PubMed ID: 18701882; reported as de novo in Table S2, Wang et al. 2023. PubMed ID: 36109173). Alternative missense substitution at this amino acid position (p.Gly385Arg and p.Gly385Trp) have also been reported in individuals with spastic paraplegia (Depienne et al. 2006. PubMed ID: 16055926; Supplementary data, Parodi et al. 2018. PubMed ID: 30476002). The c.1154G>A (p.Gly385Glu) variant has not been reported in a large population database, indicating this variant is rare. This variant is interpreted as likely pathogenic.

Literature cited by the submitters: PubMed 18701882 (cited by Labcorp Genetics (formerly Invitae), Labcorp); PubMed 36109173 (cited by Labcorp Genetics (formerly Invitae), Labcorp).

NM_014946.4(SPAST):c.1154G>A (p.Gly385Glu)

Gene: SPAST (spastin; plus strand). Cytogenetic location: 2p22.3.
Variant type: single nucleotide variant.
Coding change: c.1154G>A on transcript NM_014946.4 (MANE Select); coding-DNA position 1154, G replaced by A.
Protein change: p.Gly385Glu; replaces glycine 385 with glutamic acid.
Molecular consequence: missense variant.
Genome position (GRCh38, 1-based): chr2:32,127,003, G>A. VCF-style: chr2-32127003-G-A. GRCh37 (hg19) VCF-style: chr2-32352072-G-A.
Other names: c.1151G>A, p.Gly384Glu (NM_001363823.2); c.1055G>A, p.Gly352Glu (NM_001363875.2); c.1058G>A, p.Gly353Glu (NM_001377959.1, NM_199436.2); short protein forms G352E, G353E, G384E, G385E.
Identifiers: ClinVar variation 3346317 (VCV003346317.2).
Genomic context (GRCh38, chr2:32,127,003, plus strand): 5'-TTTAGTTGTTCACAGGGCTTAGAGCTCCTGCCAGAGGGCTGTTACTCTTTGGTCCACCTG[G>A]GAATGGGAAGACAATGCTGGTAAGGGTTCTCTTCAAATTTGAGTTTTCTGTTGAGATATT-3'
Protein context (NP_055761.2, residues 375-395): ARGLLLFGPP[Gly385Glu]NGKTMLAKAV